The following is an entry in ClinVar:

ClinVar aggregate classification (germline): Uncertain significance (1 of 4 stars; one submission).

Conditions:
Hereditary cancer-predisposing syndrome. Also called: Hereditary Cancer Syndrome; Hereditary neoplastic syndrome; Neoplastic Syndromes, Hereditary; Tumor predisposition. Identifiers: Orphanet 140162, MedGen C0027672, MeSH D009386, MONDO:0015356.

Submission:

Ambry Genetics
Classification: Uncertain significance for Hereditary cancer-predisposing syndrome. Last evaluated: 2025-06-25. Review status: criteria provided, single submitter. Criteria: Ambry Variant Classification Scheme 2023. Collection method: clinical testing. Allele origin: germline.
Comment: The p.N638S variant (also known as c.1913A>G), located in coding exon 12 of the BRIP1 gene, results from an A to G substitution at nucleotide position 1913. The asparagine at codon 638 is replaced by serine, an amino acid with highly similar properties. This amino acid position is conserved. In addition, this alteration is predicted to be tolerated by in silico analysis. Based on the available evidence, the clinical significance of this variant remains unclear.

NM_032043.3(BRIP1):c.1913A>G (p.Asn638Ser)

Gene: BRIP1 (BRCA1 interacting DNA helicase 1; minus strand). Cytogenetic location: 17q23.2.
Variant type: single nucleotide variant.
Coding change: c.1913A>G on transcript NM_032043.3 (MANE Select); coding-DNA position 1913, A replaced by G.
Protein change: p.Asn638Ser; replaces asparagine 638 with serine.
Molecular consequence: missense variant.
Genome position (GRCh38, 1-based): chr17:61,780,283, T>C on the plus strand (A>G on the coding strand, the complement: BRIP1 is on the minus strand). VCF-style: chr17-61780283-T-C. GRCh37 (hg19) VCF-style: chr17-59857644-T-C.
Other names: short protein forms N638S.
Identifiers: ClinVar variation 4216249 (VCV004216249.1).